The following is an entry in ClinVar:

NM_001163435.3(TBCK):c.2018A>G (p.Asn673Ser)

Gene: TBCK (TBC1 domain containing kinase; minus strand). Cytogenetic location: 4q24.
Variant type: single nucleotide variant.
Coding change: c.2018A>G on transcript NM_001163435.3 (MANE Select); coding-DNA position 2018, A replaced by G.
Protein change: p.Asn673Ser; replaces asparagine 673 with serine.
Molecular consequence: missense variant.
Genome position (GRCh38, 1-based): chr4:106,193,650, T>C on the plus strand (A>G on the coding strand, the complement: TBCK is on the minus strand). VCF-style: chr4-106193650-T-C. GRCh37 (hg19) VCF-style: chr4-107114807-T-C.
Other names: c.2018A>G, p.Asn673Ser (NM_001163436.4); c.1901A>G, p.Asn634Ser (NM_001163437.3); c.1502A>G, p.Asn501Ser (NM_001290768.2); c.1829A>G, p.Asn610Ser (NM_033115.5); short protein forms N634S, N673S, N501S, N610S.
Identifiers: ClinVar variation 1388210 (VCV001388210.8), dbSNP rs1753899860, ClinGen allele CA357821245.

ClinVar aggregate classification (germline): Uncertain significance (1 of 4 stars; one submission).

Allele frequency attached by ClinVar (database versions not stated): gnomAD 0.00001; TOPMed below 0.00001.

Submission:

Labcorp Genetics (formerly Invitae), Labcorp
Classification: Uncertain significance. Last evaluated: 2022-02-24. Review status: criteria provided, single submitter. Criteria: Invitae Variant Classification Sherloc (09022015). Collection method: clinical testing. Allele origin: germline.
Comment: In summary, the available evidence is currently insufficient to determine the role of this variant in disease. Therefore, it has been classified as a Variant of Uncertain Significance. Algorithms developed to predict the effect of sequence changes on RNA splicing suggest that this variant may create or strengthen a splice site. Algorithms developed to predict the effect of missense changes on protein structure and function (SIFT, PolyPhen-2, Align-GVGD) all suggest that this variant is likely to be tolerated. This variant has not been reported in the literature in individuals affected with TBCK-related conditions. This variant is not present in population databases (gnomAD no frequency). This sequence change replaces asparagine, which is neutral and polar, with serine, which is neutral and polar, at codon 673 of the TBCK protein (p.Asn673Ser).